The following is an entry in ClinVar:

ClinVar aggregate classification (germline): Likely pathogenic. Review status: reviewed by expert panel (3 of 4 stars). 5 submissions from 5 submitters: Likely pathogenic (1). 4 of the submissions do not count toward it. Last evaluated 2025-08-18.

Conditions:
BRCA1-related cancer predisposition. Identifiers: MedGen CN377757, MONDO:0700268.
Hereditary cancer-predisposing syndrome. Also called: Tumor predisposition; Neoplastic Syndromes, Hereditary; Hereditary Cancer Syndrome; Hereditary neoplastic syndrome. Identifiers: Orphanet 140162, MedGen C0027672, MeSH D009386, MONDO:0015356.
Hereditary breast ovarian cancer syndrome. Also called: Hereditary breast and ovarian cancer syndrome (HBOC); Hereditary breast and ovarian cancer syndrome; Hereditary breast and ovarian cancer; Hereditary breast and/or ovarian cancer syndrome; Breast and ovarian cancer; BRCA1- and BRCA2-Associated Hereditary Breast and Ovarian Cancer. Identifiers: Orphanet 145, MedGen C0677776, MeSH D061325, MONDO:0003582. Disease mechanism: loss of function.
Breast-ovarian cancer, familial, susceptibility to, 1 (BROVCA1). Also called: OVARIAN CANCER, SUSCEPTIBILITY TO; BRCA1 Hereditary Breast and Ovarian Cancer. Identifiers: Orphanet 145, MedGen C2676676, MONDO:0011450, OMIM 604370. Disease mechanism: loss of function.

gnomAD v4.1: 1 of 1,614,082 alleles (0.000062%); no homozygotes.

Submissions (6):

ClinGen ENIGMA BRCA1 and BRCA2 Variant Curation Expert Panel, ClinGen
Classification: Likely pathogenic for BRCA1-related cancer predisposition. Last evaluated: 2025-08-18. Review status: reviewed by expert panel. Criteria: CSpec BRCA1/2ACMG Rules Specifications V1.2. Collection method: curation. Allele origin: germline. Inheritance: Autosomal dominant inheritance.
Comment: The c.5242G>T variant in BRCA1 is a missense variant predicted to cause substitution of Glycine by Cysteine at amino acid 1748 (p.(Gly1748Cys)). This variant is absent from gnomAD v2.1 (exomes only, non-cancer subset, read depth ≥25) and gnomAD v3.1 (non-cancer subset, read depth ≥25) (PM2_Supporting met). Reported by three calibrated studies to exhibit protein function similar to pathogenic control variants (PMIDs:30209399, 38709234, 35196514) (PS3 met). This BRCA1 missense variant is within a key functional domain and the computational predictor BayesDel (noAF) gives a score of 0.3, above the recommended threshold of 0.28 for prediction of impact on BRCA1 function via protein change. A SpliceAI score of 0 predicts no impact on splicing (score threshold <0.10) (PP3 met). Multifactorial likelihood ratio analysis using clinically calibrated data produced a combined LR for this variant of 4.36 (based on Family History LR=4.36), within the thresholds for moderate evidence towards pathogenicity (LR >4.3 & ≤18.7) (PP4_Moderate met; PMID: 31853058). In summary, this variant meets the criteria to be classified as a Likely pathogenic variant for BRCA1-related cancer predisposition based on the ACMG/AMP criteria applied as specified by the ENIGMA BRCA1/2 VCEP (PM2_Supporting, PS3, PP4_Moderate, PP3).

Labcorp Genetics (formerly Invitae), Labcorp
Classification: Likely pathogenic for Hereditary breast ovarian cancer syndrome. Last evaluated: 2025-11-09. Review status: criteria provided, single submitter. Criteria: Invitae Variant Classification Sherloc (09022015). Collection method: clinical testing. Allele origin: germline. Not counted in ClinVar's aggregate classification.
Comment: This sequence change replaces glycine, which is neutral and non-polar, with cysteine, which is neutral and slightly polar, at codon 1748 of the BRCA1 protein (p.Gly1748Cys). This variant is not present in population databases (gnomAD no frequency). This variant has not been reported in the literature in individuals affected with BRCA1-related conditions. ClinVar contains an entry for this variant (Variation ID: 37650). Invitae Evidence Modeling incorporating data from in vitro experimental studies (PMID: 30209399) indicates that this missense variant is expected to disrupt BRCA1 function with a positive predictive value of 95%. Experimental studies have shown that this missense change affects BRCA1 function (PMID: 30209399, 30765603). This variant disrupts the p.Gly1748 amino acid residue in BRCA1. Other variant(s) that disrupt this residue have been determined to be pathogenic (PMID: 16644204, 24845084, 28781887, 30209399, 31131967). This suggests that this residue is clinically significant, and that variants that disrupt this residue are likely to be disease-causing. In summary, the currently available evidence indicates that the variant is pathogenic, but additional data are needed to prove that conclusively. Therefore, this variant has been classified as Likely Pathogenic.

Ambry Genetics
Classification: Likely pathogenic for Hereditary cancer-predisposing syndrome. Last evaluated: 2025-10-08. Review status: criteria provided, single submitter. Criteria: Ambry Variant Classification Scheme 2023. Collection method: clinical testing. Allele origin: germline. Not counted in ClinVar's aggregate classification.
Comment: The p.G1748C variant (also known as c.5242G>T), located in coding exon 18 of the BRCA1 gene, results from a G to T substitution at nucleotide position 5242. The glycine at codon 1748 is replaced by cysteine, an amino acid with highly dissimilar properties. This alteration is functionally deleterious in a haploid cell survival assay as well as a transcription activation assay (Findlay GM et al. Nature, 2018 10;562:217-222; Fernandes VC et al. J Biol Chem 2019 Apr;294(15):5980-5992.). This amino acid position is highly conserved in available vertebrate species. Based on internal structural analysis, this alteration is within an alpha-helix and is expected to result in a decrease in structural stability (Ambry internal data). In addition, this alteration is predicted to be deleterious by in silico analysis. This variant is considered to be rare based on population cohorts in the Genome Aggregation Database (gnomAD). Based on the majority of available evidence to date, this variant is likely to be pathogenic.

GeneDx
Classification: Likely pathogenic. Last evaluated: 2024-07-19. Review status: criteria provided, single submitter. Criteria: GeneDx Variant Classification Process June 2021. Collection method: clinical testing. Allele origin: germline. Affected: yes. Not counted in ClinVar's aggregate classification.
Comment: Not observed at significant frequency in large population cohorts (gnomAD); In silico analysis supports that this missense variant has a deleterious effect on protein structure/function; Also known as 5361G>T; This variant is associated with the following publications: (PMID: 30209399, 30765603, 32377563, 29884841, 16644204, 28781887, 31131967, 35665744, 10220405, 24389207, 10196224, 9738006, 9811458, 9974970, 11301010, 24845084, 36747619, 31853058)

Brotman Baty Institute, University of Washington
No classification provided (evidence only). Condition: Breast-ovarian cancer, familial 1. Review status: no classification provided. Collection method: in vitro. Allele origin: not applicable. Functional consequence: functionally_abnormal. Not counted in ClinVar's aggregate classification.
ClinVar note: "not provided" was previously submitted as the classification for the variant. However, the classification appeared to be based only on an observation of functional data so it was converted to no classification on 2025-07-30.

Sharing Clinical Reports Project (SCRP)
Classification: Uncertain significance for Breast-ovarian cancer, familial 1. Last evaluated: 2011-09-15. Review status: flagged submission. Collection method: clinical testing. Allele origin: germline. Not counted in ClinVar's aggregate classification.
ClinVar note: Reason: Older claim that does not account for recent evidence

Literature cited by the submitters: PubMed 30209399 (cited by Labcorp Genetics (formerly Invitae), Labcorp and Ambry Genetics); PubMed 30765603 (cited by Labcorp Genetics (formerly Invitae), Labcorp and Ambry Genetics); PubMed 16644204 (cited by Labcorp Genetics (formerly Invitae), Labcorp); PubMed 24845084 (cited by Labcorp Genetics (formerly Invitae), Labcorp and Ambry Genetics); PubMed 28781887 (cited by Labcorp Genetics (formerly Invitae), Labcorp and Ambry Genetics); PubMed 31131967 (cited by Labcorp Genetics (formerly Invitae), Labcorp).

NM_007294.4(BRCA1):c.5242G>T (p.Gly1748Cys)

Gene: BRCA1 (BRCA1 DNA repair associated; minus strand). Cytogenetic location: 17q21.31.
Variant type: single nucleotide variant.
Coding change: c.5242G>T on transcript NM_007294.4 (MANE Select); coding-DNA position 5242, G replaced by T.
Protein change: p.Gly1748Cys; replaces glycine 1748 with cysteine.
Molecular consequence: missense variant. On other transcripts: non-coding transcript variant (1).
Genome position (GRCh38, 1-based): chr17:43,057,087, C>A on the plus strand (G>T on the coding strand, the complement: BRCA1 is on the minus strand). VCF-style: chr17-43057087-C-A. GRCh37 (hg19) VCF-style: chr17-41209104-C-A.
Other names: NM_007294.4(BRCA1):c.5242G>T; p.Gly1748Cys; 5361G>T; c.5101G>T, p.Gly1701Cys (NM_001407725.1, NM_001407726.1, NM_001407727.1 and 13 more transcripts); c.5098G>T, p.Gly1700Cys (NM_001407732.1, NM_001407733.1, NM_001407734.1 and 21 more transcripts); c.5095G>T, p.Gly1699Cys (NM_001407838.1, NM_001407839.1, NM_001407841.1 and 12 more transcripts); c.5242G>T, p.Gly1748Cys (NM_001407854.1, NM_001407593.1, NM_001407594.1 and 7 more transcripts); c.5239G>T, p.Gly1747Cys (NM_001407858.1, NM_001407859.1, NM_001407860.1 and 17 more transcripts); and 75 more; short protein forms G1748C, G644C, G1701C, G1769C, G1619C, G1637C, G1679C, G1700C.
Identifiers: ClinVar variation 37650 (VCV000037650.25), dbSNP rs397507245, ClinGen allele CA003383.